The following is an entry in ClinVar:

NM_001134831.2(AHI1):c.3329-8A>G

Gene: AHI1 (Abelson helper integration site 1; minus strand). Cytogenetic location: 6q23.3.
Variant type: single nucleotide variant.
Coding change: c.3329-8A>G on transcript NM_001134831.2 (MANE Select); 8 bases into the intron before coding-DNA position 3329, A replaced by G.
Molecular consequence: intron variant.
Genome position (GRCh38, 1-based): chr6:135,318,624, T>C on the plus strand (A>G on the coding strand, the complement: AHI1 is on the minus strand). VCF-style: chr6-135318624-T-C. GRCh37 (hg19) VCF-style: chr6-135639762-T-C.
Other names: c.3329-8A>G (NM_017651.4, NM_001134830.2, NM_001350503.2 and 2 more transcripts).
Identifiers: ClinVar variation 2872181 (VCV002872181.4), dbSNP rs1786337408, ClinGen allele CA1665856692.
Genomic context (GRCh38, chr6:135,318,624, plus strand): 5'-GCTTAAAGGAGGGGATCGCTCCTTTATCTCAGGAGGCAGTTCTTGATACAGTGCTGAAAT[T>C]GGAAAAAGGAATTCATGTAATCAAATTGAGGAGCACTGCTCCATGGGGGAAAAACAACGA-3'

ClinVar aggregate classification (germline): Likely benign. Review status: criteria provided, multiple submitters, no conflicts (2 of 4 stars). 2 submissions from 2 submitters: Likely benign (2). Last evaluated 2026-02-03.

Conditions:
Joubert syndrome. Also called: JOUBERT-BOLTSHAUSER SYNDROME; Familial aplasia of the vermis. Identifiers: Orphanet 475, MedGen C5979921, MONDO:0018772.
AHI1-related disorder. Also called: AHI1-related condition.

Allele frequency attached by ClinVar (database versions not stated): TOPMed 0.00001.

Submissions (2):

PreventionGenetics, part of Exact Sciences
Classification: Likely benign for AHI1-related condition. Last evaluated: 2026-02-03. Review status: criteria provided, single submitter. Criteria: ACMG Guidelines, 2015. Collection method: clinical testing. Allele origin: germline.
Comment: This variant is classified as likely benign based on ACMG/AMP sequence variant interpretation guidelines (Richards et al. 2015 PMID: 25741868, with internal and published modifications).

Labcorp Genetics (formerly Invitae), Labcorp
Classification: Likely benign for Joubert syndrome. Last evaluated: 2023-12-12. Review status: criteria provided, single submitter. Criteria: Invitae Variant Classification Sherloc (09022015). Collection method: clinical testing. Allele origin: germline.